The following is an entry in ClinVar:

ClinVar aggregate classification (germline): Pathogenic. Review status: criteria provided, multiple submitters, no conflicts (2 of 4 stars). 3 submissions from 3 submitters: Pathogenic (3). Last evaluated 2025-11-18.

Conditions:
Cardiovascular phenotype. Identifiers: MedGen CN230736.
Hypertrophic cardiomyopathy 4. Also called: Familial hypertrophic cardiomyopathy 4. Identifiers: MedGen C1861862, MONDO:0007268, OMIM 115197.
Left ventricular noncompaction 10 (LVNC10). Identifiers: Orphanet 154, Orphanet 54260, MedGen C3715165, MONDO:0014163, OMIM 615396.
Hypertrophic cardiomyopathy. Also called: HYPERTROPHIC MYOCARDIOPATHY. Identifiers: Orphanet 217569, MedGen C0007194, MeSH D002312, MONDO:0005045, HP:0001639.

Submissions (3):

Labcorp Genetics (formerly Invitae), Labcorp
Classification: Pathogenic for Hypertrophic cardiomyopathy. Last evaluated: 2025-11-18. Review status: criteria provided, single submitter. Criteria: Invitae Variant Classification Sherloc (09022015). Collection method: clinical testing. Allele origin: germline.
Comment: This sequence change creates a premature translational stop signal (p.Pro910Glnfs*14) in the MYBPC3 gene. It is expected to result in an absent or disrupted protein product. Loss-of-function variants in MYBPC3 are known to be pathogenic (PMID: 19574547). This variant is not present in population databases (gnomAD no frequency). This variant has not been reported in the literature in individuals affected with MYBPC3-related conditions. ClinVar contains an entry for this variant (Variation ID: 2075185). For these reasons, this variant has been classified as Pathogenic.

Ambry Genetics
Classification: Pathogenic for Cardiovascular phenotype. Last evaluated: 2025-03-13. Review status: criteria provided, single submitter. Criteria: Ambry Variant Classification Scheme 2023. Collection method: clinical testing. Allele origin: germline.
Comment: The c.2729delC pathogenic mutation, located in coding exon 26 of the MYBPC3 gene, results from a deletion of one nucleotide at nucleotide position 2729, causing a translational frameshift with a predicted alternate stop codon (p.P910Qfs*14). This variant is considered to be rare based on population cohorts in the Genome Aggregation Database (gnomAD). This alteration is expected to result in loss of function by premature protein truncation or nonsense-mediated mRNA decay. As such, this alteration is interpreted as a disease-causing mutation.

New York Genome Center
Classification: Pathogenic for Hypertrophic cardiomyopathy 4; Left ventricular noncompaction 10. Last evaluated: 2022-01-25. Review status: criteria provided, single submitter. Criteria: NYGC Assertion Criteria 2020. Collection method: clinical testing. Allele origin: germline. Affected: yes. Observed: 1 heterozygote.
Comment: The c.2729del p.(Pro910GlnfsTer14) variant identified in MYBPC3 has not previously been reported in the literature or public variant repositories (ClinVar and LOVD), and is absent from population databases (gnomAD v2.1.1 and v3.1.2, TOPMed Freeze 8) suggesting it is not a common benign variant in the populations represented in those databases. The c.2729del variant is located in exon 26 of this 35-exon gene, predicted to incorporate a premature termination codon at position 924 of the new reading frame, and result in either loss-of-function via nonsense mediated decay or protein truncation. Multiple loss-of-function variants that are downstream to the c.2729del variant have been reported in the literature [PMID: 27532257, 25611685, 21750094] and ClinVar [ClinVar ID: 177660, 42660] in individuals with Hypertrophic cardiomyopathy. Based on available evidence this heterozygous c.2729del variant identified in MYBPC3 is classified as Pathogenic.

Literature cited by the submitters: PubMed 19574547 (cited by Labcorp Genetics (formerly Invitae), Labcorp).

NM_000256.3(MYBPC3):c.2729del (p.Pro910fs)

Gene: MYBPC3 (myosin binding protein C3; minus strand). Cytogenetic location: 11p11.2.
Variant type: Deletion.
Coding change: c.2729del on transcript NM_000256.3 (MANE Select); coding-DNA position 2729, one base deleted (C; older notation c.2729delC).
Protein change: p.Pro910fs; shifts the reading frame from proline 910.
Molecular consequence: frameshift variant.
Genome position (GRCh38, 1-based): chr11:47,335,885, G deleted on the plus strand (C on the coding strand, the reverse complement: MYBPC3 is on the minus strand); the first of 3 consecutive G bases (chr11:47,335,885-47,335,887); deleting any one gives the same sequence. VCF-style (leftmost placement, unchanged base first): chr11-47335884-TG-T. GRCh37 (hg19) VCF-style: chr11-47357435-TG-T.
Other names: c.2729delC (NM_000256.3); short protein forms P910fs.
Identifiers: ClinVar variation 2075185 (VCV002075185.7), dbSNP rs2495746259, ClinGen allele CA2580084273.